The following is an entry in ClinVar:

ClinVar aggregate classification (germline): Uncertain significance. Review status: criteria provided, multiple submitters, no conflicts (2 of 4 stars). 3 submissions from 3 submitters: Uncertain significance (3). Last evaluated 2025-01-31.

Conditions:
Ehlers-Danlos syndrome (EDS). Identifiers: Orphanet 98249, MedGen C0013720, MONDO:0020066.
Cardiovascular phenotype. Identifiers: MedGen CN230736.

Allele frequency attached by ClinVar (database versions not stated): gnomAD exomes 0.00003 and 0.00005; ExAC 0.00007; gnomAD 0.00008 and 0.00009; TOPMed 0.00009; ESP Exome Variant Server 0.00013.
gnomAD v4.1: 52 of 1,613,132 alleles (0.0032%); highest among the groups gnomAD compares: African/African-American, 0.0093%; no homozygotes.

Submissions (3):

Ambry Genetics
Classification: Uncertain significance for Cardiovascular phenotype. Last evaluated: 2025-01-31. Review status: criteria provided, single submitter. Criteria: Ambry Variant Classification Scheme 2023. Collection method: clinical testing. Allele origin: germline.

GeneDx
Classification: Uncertain significance. Last evaluated: 2020-11-13. Review status: criteria provided, single submitter. Criteria: GeneDx Variant Classification Process June 2021. Collection method: clinical testing. Allele origin: germline. Affected: yes.
Comment: Has not been previously published as pathogenic or benign to our knowledge; In silico analysis supports that this missense variant does not alter protein structure/function

Genome Diagnostics Laboratory, The Hospital for Sick Children
Classification: Uncertain significance for Ehlers-Danlos syndrome. Last evaluated: 2020-07-01. Review status: criteria provided, single submitter. Criteria: ACMG Guidelines, 2015. Collection method: clinical testing. Allele origin: germline.

NM_001365276.2(TNXB):c.8726A>G (p.Lys2909Arg)

Gene: TNXB (tenascin XB; minus strand). Cytogenetic location: 6p21.33.
Variant type: single nucleotide variant.
Coding change: c.8726A>G on transcript NM_001365276.2 (MANE Select); coding-DNA position 8726, A replaced by G.
Protein change: p.Lys2909Arg; replaces lysine 2909 with arginine.
Molecular consequence: missense variant.
Genome position (GRCh38, 1-based): chr6:32,053,453, T>C on the plus strand (A>G on the coding strand, the complement: TNXB is on the minus strand). VCF-style: chr6-32053453-T-C. GRCh37 (hg19) VCF-style: chr6-32021230-T-C.
Other names: c.8720A>G, p.Lys2907Arg (NM_019105.8); short protein forms K2907R, K2909R.
Identifiers: ClinVar variation 1213170 (VCV001213170.10), dbSNP rs372398179, ClinGen allele CA3733766.